The following is an entry in ClinVar:

ClinVar aggregate classification (germline): Pathogenic (1 of 4 stars; one submission).

Submission:

Labcorp Genetics (formerly Invitae), Labcorp
Classification: Pathogenic. Last evaluated: 2023-02-08. Review status: criteria provided, single submitter. Criteria: Invitae Variant Classification Sherloc (09022015). Collection method: clinical testing. Allele origin: germline.
Comment: This sequence change creates a premature translational stop signal (p.Tyr124*) in the COX15 gene. It is expected to result in an absent or disrupted protein product. Loss-of-function variants in COX15 are known to be pathogenic (PMID: 15863660, 21412973). This variant is not present in population databases (gnomAD no frequency). This variant has not been reported in the literature in individuals affected with COX15-related conditions. For these reasons, this variant has been classified as Pathogenic.

Literature cited by the submitters: PubMed 15863660; PubMed 21412973.

NM_078470.6(COX15):c.371dup (p.Tyr124Ter)

Gene: COX15 (cytochrome c oxidase assembly factor COX15; minus strand). Cytogenetic location: 10q24.2.
Variant type: Duplication.
Coding change: c.371dup on transcript NM_078470.6 (MANE Select); coding-DNA position 371, one base duplicated (A; older notation c.371dupA).
Protein change: p.Tyr124Ter; replaces tyrosine 124 with a stop codon.
Molecular consequence: nonsense. On other transcripts: 5 prime UTR variant (1), non-coding transcript variant (1).
Genome position (GRCh38, 1-based): chr10:99,727,465, T duplicated on the plus strand (A on the coding strand, the reverse complement: COX15 is on the minus strand). VCF-style (leftmost placement, unchanged base first): chr10-99727464-G-GT. GRCh37 (hg19) VCF-style: chr10-101487221-G-GT.
Other names: c.371dup, p.Tyr124Ter (NM_001320974.2, NM_001320975.2, NM_001372024.1 and 5 more transcripts); c.-84dup (NM_001320976.2); short protein forms Y124*.
Identifiers: ClinVar variation 2813897 (VCV002813897.3), dbSNP rs2492726078, ClinGen allele CA2739270959.